The following is an entry in ClinVar:

NM_053025.4(MYLK):c.4657G>A (p.Glu1553Lys)

Gene: MYLK (myosin light chain kinase; minus strand). Cytogenetic location: 3q21.1.
Variant type: single nucleotide variant.
Coding change: c.4657G>A on transcript NM_053025.4 (MANE Select); coding-DNA position 4657, G replaced by A.
Protein change: p.Glu1553Lys; replaces glutamic acid 1553 with lysine.
Molecular consequence: missense variant.
Genome position (GRCh38, 1-based): chr3:123,640,467, C>T on the plus strand (G>A on the coding strand, the complement: MYLK is on the minus strand). VCF-style: chr3-123640467-C-T. GRCh37 (hg19) VCF-style: chr3-123359314-C-T.
Other names: c.4129G>A, p.Glu1377Lys (NM_001321309.2); c.4450G>A, p.Glu1484Lys (NM_053026.4, NM_053028.4); c.4657G>A, p.Glu1553Lys (NM_053027.4); short protein forms E1377K, E1484K, E1553K.
Identifiers: ClinVar variation 2633447 (VCV002633447.1), dbSNP rs2058793477, ClinGen allele CA354226255.

ClinVar aggregate classification (germline): Uncertain significance (1 of 4 stars; one submission).

Conditions:
MYLK-related disorder. Also called: MYLK-related condition.

Allele frequency attached by ClinVar (database versions not stated): gnomAD exomes below 0.00001.
gnomAD v4.1: 1 of 1,614,022 alleles (0.000062%); highest among the groups gnomAD compares: Non-Finnish European, 0.000085%; no homozygotes.

Submission:

PreventionGenetics, part of Exact Sciences
Classification: Uncertain significance for MYLK-related condition. Last evaluated: 2023-03-16. Review status: criteria provided, single submitter. Criteria: ACMG Guidelines, 2015. Collection method: clinical testing. Allele origin: germline.
Comment: The MYLK c.4657G>A variant is predicted to result in the amino acid substitution p.Glu1553Lys. To our knowledge, this variant has not been reported in the literature or in a large population database, indicating this variant is rare. At this time, the clinical significance of this variant is uncertain due to the absence of conclusive functional and genetic evidence.